The following is an entry in ClinVar:

NM_005591.4(MRE11):c.2093T>C (p.Met698Thr)

Gene: MRE11 (MRE11 double strand break repair nuclease; minus strand). Cytogenetic location: 11q21.
Variant type: single nucleotide variant.
Coding change: c.2093T>C on transcript NM_005591.4 (MANE Select); coding-DNA position 2093, T replaced by C.
Protein change: p.Met698Thr; replaces methionine 698 with threonine.
Molecular consequence: missense variant.
Genome position (GRCh38, 1-based): chr11:94,420,159, A>G on the plus strand (T>C on the coding strand, the complement: MRE11 is on the minus strand). VCF-style: chr11-94420159-A-G. GRCh37 (hg19) VCF-style: chr11-94153325-A-G.
Other names: c.2090T>C, p.Met697Thr (NM_001330347.2); c.2009T>C, p.Met670Thr (NM_005590.4); short protein forms M670T, M697T, M698T.
Identifiers: ClinVar variation 1799675 (VCV001799675.3), dbSNP rs1945133002, ClinGen allele CA382372571.

ClinVar aggregate classification (germline): Uncertain significance (1 of 4 stars; one submission).

Conditions:
Hereditary cancer-predisposing syndrome. Also called: Neoplastic Syndromes, Hereditary; Tumor predisposition; Hereditary Cancer Syndrome; Hereditary neoplastic syndrome. Identifiers: Orphanet 140162, MedGen C0027672, MeSH D009386, MONDO:0015356.

Allele frequency attached by ClinVar (database versions not stated): gnomAD exomes below 0.00001.
gnomAD v4.1: 1 of 1,582,560 alleles (0.000063%); highest among the groups gnomAD compares: Non-Finnish European, 0.000086%; no homozygotes.

Submission:

Ambry Genetics
Classification: Uncertain significance for Hereditary cancer-predisposing syndrome. Last evaluated: 2022-12-05. Review status: criteria provided, single submitter. Criteria: Ambry Variant Classification Scheme 2023. Collection method: clinical testing. Allele origin: germline.
Comment: The p.M698T variant (also known as c.2093T>C), located in coding exon 19 of the MRE11A gene, results from a T to C substitution at nucleotide position 2093. The methionine at codon 698 is replaced by threonine, an amino acid with similar properties. This amino acid position is well conserved in available vertebrate species. In addition, this alteration is predicted to be tolerated by in silico analysis. Since supporting evidence is limited at this time, the clinical significance of this alteration remains unclear.